The following is an entry in ClinVar:

ClinVar aggregate classification (germline): Uncertain significance (1 of 4 stars; one submission).

Submission:

GeneDx
Classification: Uncertain significance. Last evaluated: 2026-07-02. Review status: criteria provided, single submitter. Criteria: GeneDx Variant Classification Process June 2021. Collection method: clinical testing. Allele origin: germline.
Comment: Not observed at significant frequency in large population cohorts (gnomAD); In silico analysis supports that this missense variant has a deleterious effect on protein structure/function; Has not been previously published as pathogenic or benign to our knowledge

NM_006180.6(NTRK2):c.2153A>G (p.Tyr718Cys)

Gene: NTRK2 (neurotrophic receptor tyrosine kinase 2; plus strand). Cytogenetic location: 9q21.33.
Variant type: single nucleotide variant.
Coding change: c.2153A>G on transcript NM_006180.6 (MANE Select); coding-DNA position 2153, A replaced by G.
Protein change: p.Tyr718Cys; replaces tyrosine 718 with cysteine.
Molecular consequence: missense variant.
Genome position (GRCh38, 1-based): chr9:84,955,498, A>G. VCF-style: chr9-84955498-A-G. GRCh37 (hg19) VCF-style: chr9-87570413-A-G.
Other names: c.2105A>G, p.Tyr702Cys (NM_001018064.3, NM_001369532.1, NM_001369533.1); c.2069A>G, p.Tyr690Cys (NM_001369534.1); c.1637A>G, p.Tyr546Cys (NM_001369535.1); c.1685A>G, p.Tyr562Cys (NM_001369536.1); short protein forms Y546C, Y562C, Y690C, Y702C, Y718C.
Identifiers: ClinVar variation 4527763 (VCV004527763.2).